The following is an entry in ClinVar:

NM_024665.7(TBL1XR1):c.1108G>C (p.Asp370His)

Genes: TBL1XR1 (TBL1X/Y related 1; minus strand), TBL1XR1-AS1 (TBL1XR1 antisense RNA 1; plus strand), LOC126806878 (CDK7 strongly-dependent group 2 enhancer GRCh37_chr3:176755168-176756367; plus strand). Cytogenetic location: 3q26.32.
Variant type: single nucleotide variant.
Coding change: c.1108G>C on transcript NM_024665.7 (MANE Select); coding-DNA position 1108, G replaced by C.
Protein change: p.Asp370His; replaces aspartic acid 370 with histidine.
Molecular consequence: missense variant.
Genome position (GRCh38, 1-based): chr3:177,038,112, C>G on the plus strand (G>C on the coding strand, the complement: TBL1XR1 is on the minus strand). VCF-style: chr3-177038112-C-G. GRCh37 (hg19) VCF-style: chr3-176755900-C-G.
Other names: c.847G>C, p.Asp283His (NM_001374330.1, NM_001321195.3); c.1108G>C, p.Asp370His (NM_001321193.3, NM_001321194.3, NM_001374327.1 and 2 more transcripts); short protein forms D283H, D370H.
Identifiers: ClinVar variation 1723667 (VCV001723667.2), dbSNP rs1057517933, ClinGen allele CA355554968.

ClinVar aggregate classification (germline): Pathogenic (1 of 4 stars; one submission).

Submission:

GeneDx
Classification: Pathogenic. Last evaluated: 2022-11-13. Review status: criteria provided, single submitter. Criteria: GeneDx Variant Classification Process June 2021. Collection method: clinical testing. Allele origin: germline. Affected: yes.
Comment: Not observed in large population cohorts (gnomAD); In silico analysis, which includes protein predictors and evolutionary conservation, supports a deleterious effect; Has not been previously published as pathogenic or benign to our knowledge